The following is an entry in ClinVar:

NM_000257.4(MYH7):c.3200T>C (p.Met1067Thr)

Gene: MYH7 (myosin heavy chain 7; minus strand). Cytogenetic location: 14q11.2.
Variant type: single nucleotide variant.
Coding change: c.3200T>C on transcript NM_000257.4 (MANE Select); coding-DNA position 3200, T replaced by C.
Protein change: p.Met1067Thr; replaces methionine 1067 with threonine.
Molecular consequence: missense variant.
Genome position (GRCh38, 1-based): chr14:23,422,225, A>G on the plus strand (T>C on the coding strand, the complement: MYH7 is on the minus strand). VCF-style: chr14-23422225-A-G. GRCh37 (hg19) VCF-style: chr14-23891434-A-G.
Other names: short protein forms M1067T.
Identifiers: ClinVar variation 926746 (VCV000926746.14), dbSNP rs763564858, ClinGen allele CA036139.

ClinVar aggregate classification (germline): Uncertain significance. Review status: criteria provided, multiple submitters, no conflicts (2 of 4 stars). 6 submissions from 6 submitters: Uncertain significance (6). Last evaluated 2025-12-03.

Conditions:
Hypertrophic cardiomyopathy. Also called: HYPERTROPHIC MYOCARDIOPATHY. Identifiers: Orphanet 217569, MedGen C0007194, MeSH D002312, MONDO:0005045, HP:0001639.
Myopathy, myosin storage, autosomal recessive (CMYO7B). Also called: CONGENITAL MYOPATHY 7B, MYOSIN STORAGE, AUTOSOMAL RECESSIVE. Identifiers: Orphanet 636970, MedGen C1850709, MONDO:0009708, OMIM 255160.
Dilated cardiomyopathy 1S (CMD1S). Identifiers: Orphanet 154, Orphanet 54260, MedGen C1834481, MONDO:0013262, OMIM 613426.
Congenital myopathy with fiber type disproportion. Also called: Congenital fiber-type disproportion myopathy; Congenital fiber-type disproportion. Identifiers: Orphanet 2020, MedGen C0546264, MONDO:0009711. Inheritance: all.
Myosin storage myopathy (CMYO7A). Also called: MYOPATHY, HYALINE BODY, AUTOSOMAL DOMINANT; Scapuloperoneal myopathy, MYH7-related; MYOPATHY WITH LYSIS OF TYPE I MYOFIBRILS; SCAPULOPERONEAL MUSCULAR DYSTROPHY; SCAPULOPERONEAL SYNDROME, MYOPATHIC TYPE; MYH7-related late-onset scapuloperoneal muscular dystrophy. Identifiers: Orphanet 437572, Orphanet 636965, MedGen C1842160, MONDO:0008409, OMIM 608358.
MYH7-related skeletal myopathy. Also called: Myopathy, distal, 1; MYOPATHY, DISTAL, EARLY-ONSET, AUTOSOMAL DOMINANT; MYOPATHY, LATE DISTAL HEREDITARY; Laing distal myopathy; Laing early-onset distal myopathy. Identifiers: Orphanet 59135, MedGen C4552004, MONDO:0008050, OMIM 160500.
Hypertrophic cardiomyopathy 1 (CMH1). Also called: Familial hypertrophic cardiomyopathy 1; MYH7-Related Familial Hypertrophic Cardiomyopathy. Identifiers: MedGen C3495498, MONDO:0008647, OMIM 192600.
Cardiomyopathy (CMYO). Also called: Cardiomyopathies. Identifiers: Orphanet 167848, MedGen C0878544, MONDO:0004994, HP:0001638. Inheritance: Various modes of inheritance.
Cardiovascular phenotype. Identifiers: MedGen CN230736.

Allele frequency attached by ClinVar (database versions not stated): gnomAD exomes below 0.00001 and 0.00001; ExAC 0.00002.

Submissions (6):

Labcorp Genetics (formerly Invitae), Labcorp
Classification: Uncertain significance for Hypertrophic cardiomyopathy. Last evaluated: 2025-12-03. Review status: criteria provided, single submitter. Criteria: Invitae Variant Classification Sherloc (09022015). Collection method: clinical testing. Allele origin: germline.
Comment: This sequence change replaces methionine, which is neutral and non-polar, with threonine, which is neutral and polar, at codon 1067 of the MYH7 protein (p.Met1067Thr). This variant is present in population databases (rs763564858, gnomAD 0.002%). This missense change has been observed in individual(s) with MYH7-related conditions (PMID: 32815737, 37652022). ClinVar contains an entry for this variant (Variation ID: 926746). Invitae Evidence Modeling of protein sequence and biophysical properties (such as structural, functional, and spatial information, amino acid conservation, physicochemical variation, residue mobility, and thermodynamic stability) indicates that this missense variant is expected to disrupt MYH7 protein function with a positive predictive value of 95%. In summary, the available evidence is currently insufficient to determine the role of this variant in disease. Therefore, it has been classified as a Variant of Uncertain Significance.

Ambry Genetics
Classification: Uncertain significance for Cardiovascular phenotype. Last evaluated: 2025-11-06. Review status: criteria provided, single submitter. Criteria: Ambry Variant Classification Scheme 2023. Collection method: clinical testing. Allele origin: germline.
Comment: The p.M1067T variant (also known as c.3200T>C), located in coding exon 23 of the MYH7 gene, results from a T to C substitution at nucleotide position 3200. The methionine at codon 1067 is replaced by threonine, an amino acid with similar properties. This variant was reported in individual(s) with features consistent with hypertrophic cardiomyopathy (HCM) (Pua CJ et al. Circ Genom Precis Med, 2020 Oct;13:424-434). This variant was also reported in an intrauterine fetal demise cohort (Muin DA et al. Sci Rep, 2021 Mar;11:6737). This amino acid position is highly conserved in available vertebrate species. In addition, this alteration is predicted to be deleterious by in silico analysis. Based on the available evidence, the clinical significance of this variant remains unclear.

All of Us Research Program, National Institutes of Health
Classification: Uncertain significance for Cardiomyopathy. Last evaluated: 2023-11-20. Review status: criteria provided, single submitter. Criteria: ACMG Guidelines, 2015. Collection method: clinical testing. Allele origin: germline. Inheritance: Autosomal dominant inheritance. Observed: 1 variant allele, 1 heterozygote.
Comment: This missense variant replaces methionine with threonine at codon 1067 of the MYH7 protein. Computational prediction is inconclusive regarding the impact of this variant on protein structure and function (internally defined REVEL score threshold 0.5 < inconclusive < 0.7, PMID: 27666373). To our knowledge, functional studies have not been reported for this variant. This variant has not been reported in individuals affected with MYH7-related disorders in the literature. This variant has been identified in 2/251484 chromosomes in the general population by the Genome Aggregation Database (gnomAD). The available evidence is insufficient to determine the role of this variant in disease conclusively. Therefore, this variant is classified as a Variant of Uncertain Significance.

This study involves interpretation of variants in research participants for the purpose of population health screening. Participant phenotype was not available at the time of variant classification. Additional details can be found in publication PMID: 35346344, PMCID: PMC8962531

Color Diagnostics, LLC DBA Color Health
Classification: Uncertain significance for Cardiomyopathy. Last evaluated: 2023-11-01. Review status: criteria provided, single submitter. Criteria: ACMG Guidelines, 2015. Collection method: clinical testing. Allele origin: germline.
Comment: This missense variant replaces methionine with threonine at codon 1067 of the MYH7 protein. Computational prediction is inconclusive regarding the impact of this variant on protein structure and function (internally defined REVEL score threshold 0.5 < inconclusive < 0.7, PMID: 27666373). To our knowledge, functional studies have not been reported for this variant. This variant has not been reported in individuals affected with MYH7-related disorders in the literature. This variant has been identified in 2/251484 chromosomes in the general population by the Genome Aggregation Database (gnomAD). The available evidence is insufficient to determine the role of this variant in disease conclusively. Therefore, this variant is classified as a Variant of Uncertain Significance.

Fulgent Genetics
Classification: Uncertain significance for MYH7-related skeletal myopathy; Myosin storage myopathy; Hypertrophic cardiomyopathy 1; Myopathy, myosin storage, autosomal recessive; Congenital myopathy 4A, autosomal dominant; Dilated cardiomyopathy 1S. Last evaluated: 2021-10-11. Review status: criteria provided, single submitter. Criteria: ACMG Guidelines, 2015. Collection method: clinical testing. Allele origin: unknown.

GeneDx
Classification: Uncertain significance. Last evaluated: 2021-04-15. Review status: criteria provided, single submitter. Criteria: GeneDx Variant Classification Process June 2021. Collection method: clinical testing. Allele origin: germline. Affected: yes.
Comment: Not observed at a significant frequency in large population cohorts (Lek et al., 2016); In silico analysis supports that this missense variant has a deleterious effect on protein structure/function; Has not been previously published as pathogenic or benign to our knowledge; This variant is associated with the following publications: (PMID: 32815737)

Literature cited by the submitters: PubMed 32815737 (cited by Labcorp Genetics (formerly Invitae), Labcorp and Ambry Genetics); PubMed 37652022 (cited by Labcorp Genetics (formerly Invitae), Labcorp); PubMed 33762593 (cited by Ambry Genetics).